The following is an entry in ClinVar:

ClinVar aggregate classification (germline): Conflicting classifications of pathogenicity. Review status: criteria provided, conflicting classifications (1 of 4 stars). 2 submissions from 2 submitters: Uncertain significance (1); Likely benign (1). Last evaluated 2025-09-20.

Conditions:
Arrhythmogenic right ventricular dysplasia 8 (ARVD8). Also called: Arrhythmogenic Right Ventricular Dysplasia/Cardiomyopathy 8; ARRHYTHMOGENIC RIGHT VENTRICULAR DYSPLASIA, FAMILIAL, 8; ARRHYTHMOGENIC RIGHT VENTRICULAR CARDIOMYOPATHY 8. Identifiers: MedGen C1843896, MONDO:0011831, OMIM 607450.
Arrhythmogenic cardiomyopathy with wooly hair and keratoderma. Also called: PALMOPLANTAR KERATODERMA WITH LEFT VENTRICULAR CARDIOMYOPATHY AND WOOLLY HAIR; Dilated cardiomyopathy with woolly hair and keratoderma; Arrhythmogenic cardiomyopathy with woolly hair and keratoderma; Carvajal syndrome. Identifiers: Orphanet 65282, MedGen C1854063, MONDO:0011581, OMIM 605676.
Cardiomyopathy (CMYO). Also called: Cardiomyopathies. Identifiers: Orphanet 167848, MedGen C0878544, MONDO:0004994, HP:0001638. Inheritance: Various modes of inheritance.

Allele frequency attached by ClinVar (database versions not stated): gnomAD exomes below 0.00001.
gnomAD v4.1: 3 of 1,614,006 alleles (0.00019%); highest among the groups gnomAD compares: African/African-American, 0.0027%; no homozygotes.

Submissions (2):

Labcorp Genetics (formerly Invitae), Labcorp
Classification: Likely benign for Arrhythmogenic cardiomyopathy with wooly hair and keratoderma; Arrhythmogenic right ventricular dysplasia 8. Last evaluated: 2025-09-20. Review status: criteria provided, single submitter. Criteria: Invitae Variant Classification Sherloc (09022015). Collection method: clinical testing. Allele origin: germline.

Color Diagnostics, LLC DBA Color Health
Classification: Uncertain significance for Cardiomyopathy. Last evaluated: 2023-03-16. Review status: criteria provided, single submitter. Criteria: ACMG Guidelines, 2015. Collection method: clinical testing. Allele origin: germline.
Comment: This missense variant replaces serine with phenylalanine at codon 2161 of the DSP protein. Computational prediction suggests that this variant may not impact protein structure and function (internally defined REVEL score threshold <= 0.5, PMID: 27666373). To our knowledge, functional studies have not been reported for this variant. This variant has not been reported in individuals affected with DSP-related disorders in the literature. This variant has been identified in 1/251410 chromosomes in the general population by the Genome Aggregation Database (gnomAD). The available evidence is insufficient to determine the role of this variant in disease conclusively. Therefore, this variant is classified as a Variant of Uncertain Significance.

NM_004415.4(DSP):c.6482C>T (p.Ser2161Phe)

Gene: DSP (desmoplakin; plus strand). Cytogenetic location: 6p24.3.
Variant type: single nucleotide variant.
Coding change: c.6482C>T on transcript NM_004415.4 (MANE Select); coding-DNA position 6482, C replaced by T.
Protein change: p.Ser2161Phe; replaces serine 2161 with phenylalanine.
Molecular consequence: missense variant.
Genome position (GRCh38, 1-based): chr6:7,583,744, C>T. VCF-style: chr6-7583744-C-T. GRCh37 (hg19) VCF-style: chr6-7583977-C-T.
Other names: c.4685C>T, p.Ser1562Phe (NM_001008844.3); c.5153C>T, p.Ser1718Phe (NM_001319034.2); short protein forms S1562F, S2161F, S1718F.
Identifiers: ClinVar variation 2775346 (VCV002775346.5), dbSNP rs1286181726, ClinGen allele CA362690886.